The following is an entry in ClinVar:

ClinVar aggregate classification (germline): Pathogenic. Review status: criteria provided, multiple submitters, no conflicts (2 of 4 stars). 6 submissions from 6 submitters: Pathogenic (4). 2 of the submissions do not count toward it. Last evaluated 2025-11-18.

Conditions:
Propionic acidemia (PROP). Also called: GLYCINEMIA, KETOTIC; HYPERGLYCINEMIA WITH KETOACIDOSIS AND LEUKOPENIA; KETOTIC HYPERGLYCINEMIA. Identifiers: Orphanet 35, MedGen C0268579, MONDO:0011628, OMIM 606054, HP:0003571.

Submissions (6):

Labcorp Genetics (formerly Invitae), Labcorp
Classification: Pathogenic for Propionic acidemia. Last evaluated: 2025-11-18. Review status: criteria provided, single submitter. Criteria: Invitae Variant Classification Sherloc (09022015). Collection method: clinical testing. Allele origin: germline.
Comment: This sequence change creates a premature translational stop signal (p.Gly241Valfs*19) in the PCCA gene. It is expected to result in an absent or disrupted protein product. Loss-of-function variants in PCCA are known to be pathogenic (PMID: 15464417). This variant is present in population databases (rs745571507, gnomAD 0.07%). This premature translational stop signal has been observed in individual(s) with propionic acidemia (PMID: 12559849). ClinVar contains an entry for this variant (Variation ID: 551231). For these reasons, this variant has been classified as Pathogenic.

Women's Health and Genetics/Laboratory Corporation of America, LabCorp
Classification: Pathogenic for Propionic acidemia. Last evaluated: 2025-03-05. Review status: criteria provided, single submitter. Criteria: LabCorp Variant Classification Summary - May 2015. Collection method: clinical testing. Allele origin: germline.
Comment: Variant summary: PCCA c.722delG (p.Gly241ValfsX19) results in a premature termination codon, predicted to cause a truncation of the encoded protein or absence of the protein due to nonsense mediated decay, which are commonly known mechanisms for disease. The variant allele was found at a frequency of 3.2e-05 in 249684 control chromosomes. This variant has been identified in at least 2 patients with Propionic Acidemia, both of whom were homozygous and had early onset of symptoms (Perez_2003, Tuchman_2008). The following publications have been ascertained in the context of this evaluation (PMID: 15464417, 12559849, 18414145). ClinVar contains an entry for this variant (Variation ID: 551231). Based on the evidence outlined above, the variant was classified as pathogenic.

Fulgent Genetics
Classification: Pathogenic for Propionic acidemia. Last evaluated: 2024-06-09. Review status: criteria provided, single submitter. Criteria: ACMG Guidelines, 2015. Collection method: clinical testing. Allele origin: germline.

Revvity Omics, Revvity
Classification: Pathogenic for Propionic acidemia. Last evaluated: 2021-07-26. Review status: criteria provided, single submitter. Criteria: ACMG Guidelines, 2015. Collection method: clinical testing. Allele origin: germline.

Natera, Inc.
Classification: Pathogenic for Propionic acidemia. Last evaluated: 2020-09-16. Review status: no assertion criteria provided. Collection method: clinical testing. Allele origin: germline. Not counted in ClinVar's aggregate classification.

Counsyl
Classification: Likely pathogenic for Propionic acidemia. Last evaluated: 2017-04-04. Review status: no assertion criteria provided. Collection method: clinical testing. Allele origin: unknown. Not counted in ClinVar's aggregate classification.

Literature cited by the submitters: PubMed 15464417 (cited by Labcorp Genetics (formerly Invitae), Labcorp); PubMed 12559849 (cited by 3 submitters); PubMed 18414145 (cited by Women's Health and Genetics/Laboratory Corporation of America, LabCorp).

NM_000282.4(PCCA):c.722del (p.Gly241fs)

Gene: PCCA (propionyl-CoA carboxylase subunit alpha; plus strand). Cytogenetic location: 13q32.3.
Variant type: Deletion.
Coding change: c.722del on transcript NM_000282.4 (MANE Select); coding-DNA position 722, one base deleted (G; older notation c.722delG).
Protein change: p.Gly241fs; shifts the reading frame from glycine 241.
Molecular consequence: frameshift variant. On other transcripts: 5 prime UTR variant (3), non-coding transcript variant (5).
Genome position (GRCh38, 1-based): chr13:100,262,734, G deleted; the last of 2 consecutive G bases (chr13:100,262,733-100,262,734); deleting either gives the same sequence. VCF-style (leftmost placement, unchanged base first): chr13-100262732-TG-T. GRCh37 (hg19) VCF-style: chr13-100914986-TG-T.
Other names: c.722delG (NM_000282.4); c.722del (NM_000282.3); c.644del, p.Gly215fs (NM_001127692.3, NM_001352607.2, NM_001352608.2); c.722del, p.Gly241fs (NM_001178004.2, NM_001352605.2, NM_001352606.2 and 1 more transcripts); c.-224del (NM_001352610.2, NM_001352611.2, NM_001352612.2); short protein forms G215fs, G241fs.
Identifiers: ClinVar variation 551231 (VCV000551231.22), dbSNP rs745571507, ClinGen allele CA7033367.
Genomic context (GRCh38, chr13:100,262,732, plus strand): 5'-CCCTTCCCCTTCCCCTCCCTCTCCCCCCCTCCTCCTTCTTCCTTCTTTTTTTCACAGGGA[TG>T]GTTTTAGATTGTCATCTCAAGAAGCTGCTTCTAGTTTTGGCGATGATAGACTACTAATAG-3'